The following is an entry in ClinVar:

NM_005120.3(MED12):c.100-1G>A

Gene: MED12 (mediator complex subunit 12; plus strand). Cytogenetic location: Xq13.1.
Variant type: single nucleotide variant.
Coding change: c.100-1G>A on transcript NM_005120.3 (MANE Select); the canonical splice acceptor site of the intron before coding-DNA position 100, G replaced by A.
Molecular consequence: splice acceptor variant.
Genome position (GRCh38, 1-based): chrX:71,119,372, G>A. VCF-style: chrX-71119372-G-A. GRCh37 (hg19) VCF-style: chrX-70339222-G-A.
Identifiers: ClinVar variation 4725587 (VCV004725587.1).

ClinVar aggregate classification (germline): Likely pathogenic (1 of 4 stars; one submission).

Conditions:
FG syndrome (FGS). Identifiers: MedGen C0220769, MONDO:0002010.

Submission:

Labcorp Genetics (formerly Invitae), Labcorp
Classification: Likely pathogenic for FG syndrome. Last evaluated: 2025-08-26. Review status: criteria provided, single submitter. Criteria: Invitae Variant Classification Sherloc (09022015). Collection method: clinical testing. Allele origin: germline.
Comment: This sequence change affects an acceptor splice site in intron 1 of the MED12 gene. It is expected to disrupt RNA splicing. Variants that disrupt the donor or acceptor splice site typically lead to a loss of protein function (PMID: 16199547), and loss-of-function variants in MED12 are known to be pathogenic (PMID: 33244165, 33244166). This variant is not present in population databases (gnomAD no frequency). This variant has not been reported in the literature in individuals affected with MED12-related conditions. Algorithms developed to predict the effect of sequence changes on RNA splicing suggest that this variant may disrupt the consensus splice site. In summary, the currently available evidence indicates that the variant is pathogenic, but additional data are needed to prove that conclusively. Therefore, this variant has been classified as Likely Pathogenic.

Literature cited by the submitters: PubMed 16199547; PubMed 33244165; PubMed 33244166.